The following is an entry in ClinVar:

ClinVar aggregate classification (germline): Likely benign. Review status: criteria provided, single submitter (1 of 4 stars). 2 submissions from 2 submitters: Likely benign (1). 1 of the submissions does not count toward it. Last evaluated 2022-09-10.

Conditions:
NEFH-related disorder. Also called: NEFH-related condition.

Allele frequency attached by ClinVar (database versions not stated): TOPMed below 0.00001; gnomAD 0.00001; gnomAD exomes 0.00001; ExAC 0.00021.
gnomAD v4.1: 13 of 1,509,542 alleles (0.00086%); highest among the groups gnomAD compares: South Asian, 0.012%; no homozygotes.

Submissions (2):

Labcorp Genetics (formerly Invitae), Labcorp
Classification: Likely benign. Last evaluated: 2022-09-10. Review status: criteria provided, single submitter. Criteria: Invitae Variant Classification Sherloc (09022015). Collection method: clinical testing. Allele origin: germline.

PreventionGenetics, part of Exact Sciences
Classification: Likely benign for NEFH-related condition. Last evaluated: 2022-07-31. Review status: no assertion criteria provided. Collection method: clinical testing. Allele origin: germline. Not counted in ClinVar's aggregate classification.
Comment: This variant is classified as likely benign based on ACMG/AMP sequence variant interpretation guidelines (Richards et al. 2015 PMID: 25741868, with internal and published modifications).

NM_021076.4(NEFH):c.15C>T (p.Gly5=)

Gene: NEFH (neurofilament heavy chain; plus strand). Cytogenetic location: 22q12.2.
Variant type: single nucleotide variant.
Coding change: c.15C>T on transcript NM_021076.4 (MANE Select); coding-DNA position 15, C replaced by T.
Protein change: p.Gly5=; no amino-acid change (glycine 5 retained).
Molecular consequence: synonymous variant.
Genome position (GRCh38, 1-based): chr22:29,480,277, C>T. VCF-style: chr22-29480277-C-T. GRCh37 (hg19) VCF-style: chr22-29876266-C-T.
Other names: c.15C>T (NM_021076.3).
Identifiers: ClinVar variation 1934642 (VCV001934642.6), dbSNP rs770925131, ClinGen allele CA10173952.
Genomic context (GRCh38, chr22:29,480,277, plus strand): 5'-CGCAGTGCCTCCCGCCCCGTCCCGGCCTCGCGCACCTGCTCAGGCCATGATGAGCTTCGG[C>T]GGCGCGGACGCGCTGCTGGGCGCCCCGTTCGCGCCGCTGCATGGCGGCGGCAGCCTCCAC-3'
Protein context (NP_066554.2, residues 1-15): MMSF[Gly5=]GADALLGAPF